The following is an entry in ClinVar:

ClinVar aggregate classification (germline): Conflicting classifications of pathogenicity. Review status: criteria provided, conflicting classifications (1 of 4 stars). 6 submissions from 6 submitters: Uncertain significance (3); Likely benign (2). 1 of the submissions does not count toward it. Last evaluated 2026-01-05.

Conditions:
Inborn genetic diseases. Identifiers: MedGen C0950123, MeSH D030342.
Optic atrophy. Identifiers: MedGen C0029124, MONDO:0003608, HP:0000648.
Hereditary spastic paraplegia 48. Also called: SPASTIC PARAPLEGIA 48, AUTOSOMAL RECESSIVE; Spastic paraplegia 48. Identifiers: Orphanet 306511, MedGen C3150901, MONDO:0013342, OMIM 613647.
Hereditary spastic paraplegia. Also called: Familial spastic paraparesis. Identifiers: Orphanet 685, MedGen C0037773, MONDO:0019064. Disease mechanism: loss of function.

Allele frequency attached by ClinVar (database versions not stated): gnomAD 0.00047 and 0.00052; TOPMed 0.00049; ESP Exome Variant Server 0.00070.
gnomAD v4.1: 459 of 1,613,158 alleles (0.028%); highest among the groups gnomAD compares: African/African-American, 0.14%; 1 homozygote.

Submissions (6):

Labcorp Genetics (formerly Invitae), Labcorp
Classification: Likely benign for Hereditary spastic paraplegia 48. Last evaluated: 2026-01-05. Review status: criteria provided, single submitter. Criteria: Invitae Variant Classification Sherloc (09022015). Collection method: clinical testing. Allele origin: germline.

Blueprint Genetics
Classification: Likely benign. Last evaluated: 2024-09-20. Review status: criteria provided, single submitter. Criteria: ACMG Guidelines, 2015. Collection method: clinical testing. Allele origin: germline.

Ambry Genetics
Classification: Uncertain significance for Inborn genetic diseases. Last evaluated: 2021-09-22. Review status: criteria provided, single submitter. Criteria: Ambry Variant Classification Scheme 2023. Collection method: clinical testing. Allele origin: germline.
Comment: The c.970-5C>T intronic alteration consists of a C to T substitution 5 nucleotides before coding exon 9 in the AP5Z1 gene. Based on insufficient or conflicting evidence, the clinical significance of this alteration remains unclear.

Genome Diagnostics Laboratory, The Hospital for Sick Children
Classification: Uncertain significance for Hereditary spastic paraplegia. Last evaluated: 2018-05-01. Review status: criteria provided, single submitter. Criteria: ACMG Guidelines, 2015. Collection method: clinical testing. Allele origin: germline. Affected: yes.

Illumina Laboratory Services, Illumina
Classification: Uncertain significance for Hereditary spastic paraplegia 48. Last evaluated: 2018-01-13. Review status: criteria provided, single submitter. Criteria: ICSL Variant Classification Criteria 13 December 2019. Collection method: clinical testing. Allele origin: germline.

Institute of Human Genetics, Univ. Regensburg, Univ. Regensburg
Classification: Uncertain significance for Optic atrophy. Last evaluated: 2023-01-01. Review status: no assertion criteria provided. Criteria: ACMG Guidelines, 2015. Collection method: clinical testing. Allele origin: germline. Affected: yes. Not counted in ClinVar's aggregate classification.

NM_014855.3(AP5Z1):c.970-5C>T

Gene: AP5Z1 (adaptor related protein complex 5 subunit zeta 1; plus strand). Cytogenetic location: 7p22.1.
Variant type: single nucleotide variant.
Coding change: c.970-5C>T on transcript NM_014855.3 (MANE Select); 5 bases into the intron before coding-DNA position 970, C replaced by T.
Molecular consequence: intron variant.
Genome position (GRCh38, 1-based): chr7:4,785,517, C>T. VCF-style: chr7-4785517-C-T. GRCh37 (hg19) VCF-style: chr7-4825148-C-T.
Other names: c.502-5C>T (NM_001364858.1).
Identifiers: ClinVar variation 695478 (VCV000695478.17), dbSNP rs373671779, ClinGen allele CA4137545.
Genomic context (GRCh38, chr7:4,785,517, plus strand): 5'-GTGGCTGGGGACCAGGGGATGGGAGGCAGCGACTCGGCCCATTTGATGTGGTCCATGTCC[C>T]GCAGTGCCTGGTGGAGGCCGTGCTGGTGCTGGACGTGCTGTGCCGGCAGGACCCGTCCTT-3'